The following is an entry in ClinVar:

ClinVar aggregate classification (germline): Uncertain significance (1 of 4 stars; one submission).

Submission:

Labcorp Genetics (formerly Invitae), Labcorp
Classification: Uncertain significance. Last evaluated: 2022-05-29. Review status: criteria provided, single submitter. Criteria: Invitae Variant Classification Sherloc (09022015). Collection method: clinical testing. Allele origin: germline.
Comment: In summary, the available evidence is currently insufficient to determine the role of this variant in disease. Therefore, it has been classified as a Variant of Uncertain Significance. Algorithms developed to predict the effect of missense changes on protein structure and function are either unavailable or do not agree on the potential impact of this missense change (SIFT: "Deleterious"; PolyPhen-2: "Benign"; Align-GVGD: "Class C0"). This variant has not been reported in the literature in individuals affected with HPS3-related conditions. This variant is not present in population databases (gnomAD no frequency). This sequence change replaces glycine, which is neutral and non-polar, with alanine, which is neutral and non-polar, at codon 352 of the HPS3 protein (p.Gly352Ala).

NM_032383.5(HPS3):c.1055G>C (p.Gly352Ala)

Gene: HPS3 (HPS3 biogenesis of lysosomal organelles complex 2 subunit 1; plus strand). Cytogenetic location: 3q24.
Variant type: single nucleotide variant.
Coding change: c.1055G>C on transcript NM_032383.5 (MANE Select); coding-DNA position 1055, G replaced by C.
Protein change: p.Gly352Ala; replaces glycine 352 with alanine.
Molecular consequence: missense variant.
Genome position (GRCh38, 1-based): chr3:149,145,438, G>C. VCF-style: chr3-149145438-G-C. GRCh37 (hg19) VCF-style: chr3-148863225-G-C.
Other names: c.560G>C, p.Gly187Ala (NM_001308258.2); short protein forms G187A, G352A.
Identifiers: ClinVar variation 2000720 (VCV002000720.4), dbSNP rs759266104, ClinGen allele CA354915716.
Genomic context (GRCh38, chr3:149,145,438, plus strand): 5'-ATTTGTCTCAGGAAAAAGAATTGCTGAGTCTCTTTTGCTTTTTCTCCTTACCTCATGTGG[G>C]CTATCTCTACATGGTTGTCAAATCTGTTGAATTGATGTCAGTCTACCAGTATCCTGAAAA-3'
Protein context (NP_115759.2, residues 342-362): LFCFFSLPHV[Gly352Ala]YLYMVVKSVE